The following is an entry in ClinVar:

ClinVar aggregate classification (germline): Likely benign (1 of 4 stars; one submission).

Submission:

GeneDx
Classification: Likely benign. Last evaluated: 2016-06-22. Review status: criteria provided, single submitter. Criteria: GeneDx Variant Classification (06012015). Collection method: clinical testing. Allele origin: germline. Affected: yes.
Comment: This variant is considered likely benign or benign based on one or more of the following criteria: it is a conservative change, it occurs at a poorly conserved position in the protein, it is predicted to be benign by multiple in silico algorithms, and/or has population frequency not consistent with disease.

NM_000138.5(FBN1):c.1327+14A>T

Gene: FBN1 (fibrillin 1; minus strand). Cytogenetic location: 15q21.1.
Variant type: single nucleotide variant.
Coding change: c.1327+14A>T on transcript NM_000138.5 (MANE Select); 14 bases into the intron after coding-DNA position 1327, A replaced by T.
Molecular consequence: intron variant.
Genome position (GRCh38, 1-based): chr15:48,516,169, T>A on the plus strand (A>T on the coding strand, the complement: FBN1 is on the minus strand). VCF-style: chr15-48516169-T-A. GRCh37 (hg19) VCF-style: chr15-48808366-T-A.
Identifiers: ClinVar variation 387161 (VCV000387161.1), dbSNP rs1057522710, ClinGen allele CA16606979.